The following is an entry in ClinVar:

ClinVar aggregate classification (germline): Uncertain significance (1 of 4 stars; one submission).

Conditions:
Combined oxidative phosphorylation defect type 7. Identifiers: Orphanet 254930, MedGen C3150801, MONDO:0013306, OMIM 613559.
Spastic paraplegia. Identifiers: MedGen C0037772, HP:0001258.

Allele frequency attached by ClinVar (database versions not stated): gnomAD exomes below 0.00001.
gnomAD v4.1: 1 of 1,614,038 alleles (0.000062%); highest among the groups gnomAD compares: Non-Finnish European, 0.000085%; no homozygotes.

Submission:

Labcorp Genetics (formerly Invitae), Labcorp
Classification: Uncertain significance for Combined oxidative phosphorylation defect type 7; Spastic paraplegia. Last evaluated: 2021-12-02. Review status: criteria provided, single submitter. Criteria: Invitae Variant Classification Sherloc (09022015). Collection method: clinical testing. Allele origin: germline.
Comment: In summary, the available evidence is currently insufficient to determine the role of this variant in disease. Therefore, it has been classified as a Variant of Uncertain Significance. Algorithms developed to predict the effect of missense changes on protein structure and function are either unavailable or do not agree on the potential impact of this missense change (SIFT: "Tolerated"; PolyPhen-2: "Probably Damaging"; Align-GVGD: "Class C0"). This variant has not been reported in the literature in individuals affected with C12orf65-related conditions. This variant is present in population databases (no rsID available, gnomAD 0.0009%). This sequence change replaces asparagine, which is neutral and polar, with aspartic acid, which is acidic and polar, at codon 121 of the C12orf65 protein (p.Asn121Asp).

NM_152269.5(MTRFR):c.361A>G (p.Asn121Asp)

Gene: MTRFR (mitochondrial translation release factor in rescue; plus strand). Cytogenetic location: 12q24.31.
Variant type: single nucleotide variant.
Coding change: c.361A>G on transcript NM_152269.5 (MANE Select); coding-DNA position 361, A replaced by G.
Protein change: p.Asn121Asp; replaces asparagine 121 with aspartic acid.
Molecular consequence: missense variant.
Genome position (GRCh38, 1-based): chr12:123,256,891, A>G. VCF-style: chr12-123256891-A-G. GRCh37 (hg19) VCF-style: chr12-123741438-A-G.
Other names: c.361A>G, p.Asn121Asp (NM_001143905.2, NM_001194995.1); short protein forms N121D.
Identifiers: ClinVar variation 1681660 (VCV001681660.8), dbSNP rs1473803862, ClinGen allele CA387119076.